The following is an entry in ClinVar:

ClinVar aggregate classification (germline): Conflicting classifications of pathogenicity. Review status: criteria provided, conflicting classifications (1 of 4 stars). 6 submissions from 6 submitters: Uncertain significance (3); Likely benign (3). Last evaluated 2025-12-16.

Conditions:
Autosomal recessive limb-girdle muscular dystrophy type 2J (LGMDR10). Also called: Limb-girdle muscular dystrophy, type 2J; MUSCULAR DYSTROPHY, LIMB-GIRDLE, AUTOSOMAL RECESSIVE 10. Identifiers: Orphanet 140922, MedGen C1837342, MONDO:0012127, OMIM 608807.
Dilated cardiomyopathy 1G (CMD1G). Identifiers: Orphanet 154, MedGen C1858763, MONDO:0011400, OMIM 604145.
Cardiomyopathy (CMYO). Also called: Cardiomyopathies. Identifiers: Orphanet 167848, MedGen C0878544, MONDO:0004994, HP:0001638. Inheritance: Various modes of inheritance.

Allele frequency attached by ClinVar (database versions not stated): gnomAD 0.00006; gnomAD exomes 0.00006 and 0.00007; ExAC 0.00007; ESP Exome Variant Server 0.00008; TOPMed 0.00008.
gnomAD v4.1: 95 of 1,609,456 alleles (0.0059%); highest among the groups gnomAD compares: Non-Finnish European, 0.0077%; no homozygotes.

Submissions (6):

Labcorp Genetics (formerly Invitae), Labcorp
Classification: Likely benign for Dilated cardiomyopathy 1G; Autosomal recessive limb-girdle muscular dystrophy type 2J. Last evaluated: 2025-12-16. Review status: criteria provided, single submitter. Criteria: Invitae Variant Classification Sherloc (09022015). Collection method: clinical testing. Allele origin: germline.

Blueprint Genetics
Classification: Likely benign. Last evaluated: 2024-10-15. Review status: criteria provided, single submitter. Criteria: ACMG Guidelines, 2015. Collection method: clinical testing. Allele origin: germline.

ARUP Laboratories, Molecular Genetics and Genomics, ARUP Laboratories
Classification: Uncertain significance. Last evaluated: 2024-10-03. Review status: criteria provided, single submitter. Criteria: ARUP Molecular Germline Variant Investigation Process 2024. Collection method: clinical testing. Allele origin: germline.
Comment: The TTN c.32198-10T>C variant (rs371121439; ClinVar Variation ID: 46862) is rare in the general population (<0.2% allele frequency in the Genome Aggregation Database) and has not been reported in the medical literature in association with dilated cardiomyopathy (DCM) or other TTN-related disease. This is an intronic variant and computational analyses (Alamut Visual Plus v.1.5.1) predict that this variant may impact splicing by weakening the nearby canonical acceptor splice site. Due to limited information, the clinical significance of this variant is uncertain at this time. References: Begay RL et al. Role of Titin Missense Variants in Dilated Cardiomyopathy. J Am Heart Assoc. 2015 Nov 13;4(11). PMID: 26567375. Herman DS et al. Truncations of titin causing dilated cardiomyopathy. N Engl J Med. 2012 Feb 16;366(7):619-28. PMID: 22335739. Linke WA and Hamdani N. Gigantic business: titin properties and function through thick and thin. Circ Res 2014; 114(6): 1052-1068. PMID: 24625729.

CHEO Genetics Diagnostic Laboratory, Children's Hospital of Eastern Ontario
Classification: Uncertain significance for Cardiomyopathy. Last evaluated: 2023-01-18. Review status: criteria provided, single submitter. Criteria: ACMG Guidelines, 2015. Collection method: clinical testing. Allele origin: germline.

GeneDx
Classification: Likely benign. Last evaluated: 2021-03-18. Review status: criteria provided, single submitter. Criteria: GeneDx Variant Classification Process June 2021. Collection method: clinical testing. Allele origin: germline. Affected: yes.

Laboratory for Molecular Medicine, Mass General Brigham Personalized Medicine
Classification: Uncertain significance. Last evaluated: 2013-02-20. Review status: criteria provided, single submitter. Criteria: LMM Criteria. Collection method: clinical testing. Allele origin: germline. Observed: 1 variant allele.
Comment: The 28466-10T>C variant in TTN has not been reported in the literature nor previ ously identified by our laboratory but has been identified in 1/8188 European Am erican chromosomes from a large population by the NHLBI Exome Sequencing Project. This variant is located in the 3' splice r egion but computational tools do not suggest an impact to splicing. However, thi s information is not predictive enough to rule out pathogenicity. Additional stu dies are needed to fully assess its clinical significance.

NM_001267550.2(TTN):c.32198-10T>C

Gene: TTN (titin; minus strand). Cytogenetic location: 2q31.2.
Variant type: single nucleotide variant.
Coding change: c.32198-10T>C on transcript NM_001267550.2 (MANE Select); 10 bases into the intron before coding-DNA position 32198, T replaced by C.
Molecular consequence: intron variant.
Genome position (GRCh38, 1-based): chr2:178,688,234, A>G on the plus strand (T>C on the coding strand, the complement: TTN is on the minus strand). VCF-style: chr2-178688234-A-G. GRCh37 (hg19) VCF-style: chr2-179552961-A-G.
Other names: c.13283-45917T>C (NM_003319.4); c.13859-45917T>C (NM_133437.4); c.13658-45917T>C (NM_133432.3); c.28466-10T>C (NM_133378.4); c.31247-10T>C (NM_001256850.1).
Identifiers: ClinVar variation 46862 (VCV000046862.20), dbSNP rs371121439, ClinGen allele CA139384.